The following is an entry in ClinVar:

ClinVar aggregate classification (germline): Uncertain significance (1 of 4 stars; one submission).

Allele frequency attached by ClinVar (database versions not stated): gnomAD exomes below 0.00001.
gnomAD v4.1: 2 of 1,613,620 alleles (0.00012%); highest among the groups gnomAD compares: Admixed American, 0.0017%; no homozygotes.

Submission:

Labcorp Genetics (formerly Invitae), Labcorp
Classification: Uncertain significance. Last evaluated: 2025-09-08. Review status: criteria provided, single submitter. Criteria: Invitae Variant Classification Sherloc (09022015). Collection method: clinical testing. Allele origin: germline.
Comment: This sequence change replaces methionine, which is neutral and non-polar, with threonine, which is neutral and polar, at codon 339 of the A2ML1 protein (p.Met339Thr). This variant is not present in population databases (gnomAD no frequency). This variant has not been reported in the literature in individuals affected with A2ML1-related conditions. ClinVar contains an entry for this variant (Variation ID: 1385336). An algorithm developed to predict the effect of missense changes on protein structure and function (PolyPhen-2) suggests that this variant is likely to be tolerated. In summary, the available evidence is currently insufficient to determine the role of this variant in disease. Therefore, it has been classified as a Variant of Uncertain Significance.

NM_144670.6(A2ML1):c.1016T>C (p.Met339Thr)

Gene: A2ML1 (alpha-2-macroglobulin like 1; plus strand). Cytogenetic location: 12p13.31.
Variant type: single nucleotide variant.
Coding change: c.1016T>C on transcript NM_144670.6 (MANE Select); coding-DNA position 1016, T replaced by C.
Protein change: p.Met339Thr; replaces methionine 339 with threonine.
Molecular consequence: missense variant.
Genome position (GRCh38, 1-based): chr12:8,839,158, T>C. VCF-style: chr12-8839158-T-C. GRCh37 (hg19) VCF-style: chr12-8991754-T-C.
Other names: short protein forms M339T.
Identifiers: ClinVar variation 1385336 (VCV001385336.6), dbSNP rs2136786935, ClinGen allele CA383823625.